The following is an entry in ClinVar:

NM_001283009.2(RTEL1):c.3425G>T (p.Gly1142Val)

Genes: RTEL1 (regulator of telomere elongation helicase 1; plus strand), RTEL1-TNFRSF6B (RTEL1-TNFRSF6B readthrough (NMD candidate); plus strand). Cytogenetic location: 20q13.33.
Variant type: single nucleotide variant.
Coding change: c.3425G>T on transcript NM_001283009.2 (MANE Select); coding-DNA position 3425, G replaced by T.
Protein change: p.Gly1142Val; replaces glycine 1142 with valine.
Molecular consequence: missense variant. On other transcripts: non-coding transcript variant (1).
Genome position (GRCh38, 1-based): chr20:63,695,147, G>T. VCF-style: chr20-63695147-G-T. GRCh37 (hg19) VCF-style: chr20-62326500-G-T.
Other names: c.2756G>T, p.Gly919Val (NM_001283010.1); c.3425G>T, p.Gly1142Val (NM_016434.4); c.3497G>T, p.Gly1166Val (NM_032957.5); short protein forms G1142V, G1166V, G919V.
Identifiers: ClinVar variation 2067692 (VCV002067692.5), dbSNP rs867830180, ClinGen allele CA409685402.

ClinVar aggregate classification (germline): Uncertain significance. Review status: criteria provided, multiple submitters, no conflicts (2 of 4 stars). 3 submissions from 3 submitters: Uncertain significance (3). Last evaluated 2025-01-01.

Conditions:
Dyskeratosis congenita, autosomal recessive 5 (DKCB5). Identifiers: MedGen C3554656, MONDO:0014076, OMIM 615190.
Pulmonary fibrosis and/or bone marrow failure, Telomere-related, 3. Also called: PULMONARY FIBROSIS AND/OR BONE MARROW FAILURE SYNDROME, TELOMERE-RELATED, 3. Identifiers: Orphanet 2032, MedGen C4225346, MONDO:0014613, OMIM 616373.
Inborn genetic diseases. Identifiers: MedGen C0950123, MeSH D030342.

Allele frequency attached by ClinVar (database versions not stated): gnomAD 0.00002; TOPMed 0.00002.
gnomAD v4.1: 4 of 1,612,310 alleles (0.00025%); highest among the groups gnomAD compares: African/African-American, 0.004%; no homozygotes.

Submissions (3):

Ambry Genetics
Classification: Uncertain significance for Inborn genetic diseases. Last evaluated: 2025-01-01. Review status: criteria provided, single submitter. Criteria: Ambry Variant Classification Scheme 2023. Collection method: clinical testing. Allele origin: germline.
Comment: The p.G1142V variant (also known as c.3425G>T), located in coding exon 32 of the RTEL1 gene, results from a G to T substitution at nucleotide position 3425. The glycine at codon 1142 is replaced by valine, an amino acid with dissimilar properties. This amino acid position is conserved. In addition, this alteration is predicted to be tolerated by in silico analysis. Based on the available evidence, the clinical significance of this variant remains unclear.

Labcorp Genetics (formerly Invitae), Labcorp
Classification: Uncertain significance for Dyskeratosis congenita, autosomal recessive 5; Pulmonary fibrosis and/or bone marrow failure, Telomere-related, 3. Last evaluated: 2024-05-21. Review status: criteria provided, single submitter. Criteria: Invitae Variant Classification Sherloc (09022015). Collection method: clinical testing. Allele origin: germline.
Comment: This sequence change replaces glycine, which is neutral and non-polar, with valine, which is neutral and non-polar, at codon 1142 of the RTEL1 protein (p.Gly1142Val). This variant is present in population databases (no rsID available, gnomAD 0.01%). This variant has not been reported in the literature in individuals affected with RTEL1-related conditions. ClinVar contains an entry for this variant (Variation ID: 2067692). An algorithm developed to predict the effect of missense changes on protein structure and function (PolyPhen-2) suggests that this variant is likely to be tolerated. In summary, the available evidence is currently insufficient to determine the role of this variant in disease. Therefore, it has been classified as a Variant of Uncertain Significance.

Fulgent Genetics
Classification: Uncertain significance for Dyskeratosis congenita, autosomal recessive 5; Pulmonary fibrosis and/or bone marrow failure, Telomere-related, 3. Last evaluated: 2024-01-25. Review status: criteria provided, single submitter. Criteria: ACMG Guidelines, 2015. Collection method: clinical testing. Allele origin: germline.